The following is an entry in ClinVar:

ClinVar aggregate classification (germline): Conflicting classifications of pathogenicity. Review status: criteria provided, conflicting classifications (1 of 4 stars). 3 submissions from 3 submitters: Uncertain significance (1); Likely benign (2). Last evaluated 2025-01-01.

Conditions:
Hereditary cancer-predisposing syndrome. Also called: Hereditary neoplastic syndrome; Tumor predisposition; Hereditary Cancer Syndrome; Neoplastic Syndromes, Hereditary. Identifiers: Orphanet 140162, MedGen C0027672, MeSH D009386, MONDO:0015356.
Multiple endocrine neoplasia, type 2 (MEN2). Identifiers: Orphanet 653, MedGen C4048306, MONDO:0019003. Disease mechanism: gain of function.

Submissions (3):

Labcorp Genetics (formerly Invitae), Labcorp
Classification: Uncertain significance for Multiple endocrine neoplasia, type 2. Last evaluated: 2025-01-01. Review status: criteria provided, single submitter. Criteria: Invitae Variant Classification Sherloc (09022015). Collection method: clinical testing. Allele origin: germline.
Comment: This sequence change affects codon 507 of the RET mRNA. It is a 'silent' change, meaning that it does not change the encoded amino acid sequence of the RET protein. It affects a nucleotide within the consensus splice site. This variant is not present in population databases (gnomAD no frequency). This variant has not been reported in the literature in individuals affected with RET-related conditions. ClinVar contains an entry for this variant (Variation ID: 1450437). Algorithms developed to predict the effect of sequence changes on RNA splicing suggest that this variant is not likely to affect RNA splicing. In summary, the available evidence is currently insufficient to determine the role of this variant in disease. Therefore, it has been classified as a Variant of Uncertain Significance.

CeGaT Center for Human Genetics Tuebingen
Classification: Likely benign. Last evaluated: 2024-11-01. Review status: criteria provided, single submitter. Criteria: CeGaT Center For Human Genetics Tuebingen Variant Classification Criteria Version 2. Collection method: clinical testing. Allele origin: germline. Affected: yes. Observed: 1 variant allele.
Comment: RET: PM2:Supporting, BP4, BP7

Ambry Genetics
Classification: Likely benign for Hereditary cancer-predisposing syndrome. Last evaluated: 2022-05-15. Review status: criteria provided, single submitter. Criteria: Ambry Variant Classification Scheme 2023. Collection method: clinical testing. Allele origin: germline.

NM_020975.6(RET):c.1521A>G (p.Ser507=)

Gene: RET (ret proto-oncogene; plus strand). Cytogenetic location: 10q11.21.
Variant type: single nucleotide variant.
Coding change: c.1521A>G on transcript NM_020975.6 (MANE Select); coding-DNA position 1521, A replaced by G.
Protein change: p.Ser507=; no amino-acid change (serine 507 retained).
Molecular consequence: synonymous variant. On other transcripts: intron variant (15).
Genome position (GRCh38, 1-based): chr10:43,111,464, A>G. VCF-style: chr10-43111464-A-G. GRCh37 (hg19) VCF-style: chr10-43606912-A-G.
Other names: c.1521A>G, p.Ser507= (NM_000323.2, NM_001406743.1, NM_001406744.1 and 6 more transcripts); c.759A>G, p.Ser253= (NM_001355216.2); c.1392A>G, p.Ser464= (NM_001406761.1, NM_001406762.1, NM_001406764.1 and 1 more transcripts); c.1233A>G, p.Ser411= (NM_001406766.1, NM_001406767.1, NM_001406770.1); c.1125A>G, p.Ser375= (NM_001406769.1, NM_001406772.1); c.1083A>G, p.Ser361= (NM_001406771.1, NM_001406773.1); c.996A>G, p.Ser332= (NM_001406774.1); c.795A>G, p.Ser265= (NM_001406775.1, NM_001406776.1, NM_001406777.1 and 1 more transcripts); and 5 more.
Identifiers: ClinVar variation 1450437 (VCV001450437.23), dbSNP rs876660561, ClinGen allele CA469479464.